The following is an entry in ClinVar:

ClinVar aggregate classification (germline): Uncertain significance (1 of 4 stars; one submission).

Conditions:
Bloom syndrome (BLM). Also called: Bloom-Torre-Machacek syndrome. Identifiers: Orphanet 125, MedGen C0005859, MONDO:0008876, OMIM 210900.

Submission:

Labcorp Genetics (formerly Invitae), Labcorp
Classification: Uncertain significance for Bloom syndrome. Last evaluated: 2024-01-31. Review status: criteria provided, single submitter. Criteria: Invitae Variant Classification Sherloc (09022015). Collection method: clinical testing. Allele origin: germline.
Comment: This sequence change replaces threonine, which is neutral and polar, with serine, which is neutral and polar, at codon 127 of the BLM protein (p.Thr127Ser). This variant is not present in population databases (gnomAD no frequency). This variant has not been reported in the literature in individuals affected with BLM-related conditions. Algorithms developed to predict the effect of missense changes on protein structure and function output the following: SIFT: "Not Available"; PolyPhen-2: "Benign"; Align-GVGD: "Not Available". The serine amino acid residue is found in multiple mammalian species, which suggests that this missense change does not adversely affect protein function. In summary, the available evidence is currently insufficient to determine the role of this variant in disease. Therefore, it has been classified as a Variant of Uncertain Significance.

NM_000057.4(BLM):c.379A>T (p.Thr127Ser)

Gene: BLM (BLM RecQ like helicase; plus strand). Cytogenetic location: 15q26.1.
Variant type: single nucleotide variant.
Coding change: c.379A>T on transcript NM_000057.4 (MANE Select); coding-DNA position 379, A replaced by T.
Protein change: p.Thr127Ser; replaces threonine 127 with serine.
Molecular consequence: missense variant. On other transcripts: 5 prime UTR variant (1).
Genome position (GRCh38, 1-based): chr15:90,749,647, A>T. VCF-style: chr15-90749647-A-T. GRCh37 (hg19) VCF-style: chr15-91292877-A-T.
Other names: c.379A>T, p.Thr127Ser (NM_001287246.2, NM_001287247.2); c.-913A>T (NM_001287248.2); short protein forms T127S.
Identifiers: ClinVar variation 2973371 (VCV002973371.3), dbSNP rs528474170, ClinGen allele CA393840422.